The following is an entry in ClinVar:

NM_001164508.2(NEB):c.24486+9C>T

Genes: NEB (nebulin; minus strand), RIF1 (replication timing regulatory factor 1; plus strand). Cytogenetic location: 2q23.3.
Variant type: single nucleotide variant.
Coding change: c.24486+9C>T on transcript NM_001164508.2 (MANE Select); 9 bases into the intron after coding-DNA position 24486, C replaced by T.
Molecular consequence: intron variant.
Genome position (GRCh38, 1-based): chr2:151,496,267, G>A on the plus strand (C>T on the coding strand, the complement: NEB is on the minus strand). VCF-style: chr2-151496267-G-A. GRCh37 (hg19) VCF-style: chr2-152352781-G-A.
Other names: c.18918+9C>T (NM_004543.5); c.24486+9C>T (NM_001164507.2); c.24591+9C>T (NM_001271208.2).
Identifiers: ClinVar variation 2434297 (VCV002434297.5), dbSNP rs763870394, ClinGen allele CA1906032.

ClinVar aggregate classification (germline): Uncertain significance. Review status: criteria provided, single submitter (1 of 4 stars). 3 submissions from 3 submitters: Uncertain significance (1). 2 of the submissions do not count toward it. Last evaluated 2020-11-06.

Conditions:
Arthrogryposis multiplex congenita 6. Identifiers: MedGen C5543431, MONDO:0030281, OMIM 619334.
Nemaline myopathy 2 (NEM2). Also called: Nemaline myopathy 2, autosomal recessive. Identifiers: MedGen C1850569, MONDO:0009725, OMIM 256030.

Allele frequency attached by ClinVar (database versions not stated): TOPMed 0.00001.
gnomAD v4.1: 9 of 1,593,662 alleles (0.00056%); highest among the groups gnomAD compares: South Asian, 0.0022%; no homozygotes.

Submissions (3):

Revvity Omics, Revvity
Classification: Uncertain significance. Last evaluated: 2020-11-06. Review status: criteria provided, single submitter. Criteria: ACMG Guidelines, 2015. Collection method: clinical testing. Allele origin: germline.

Department of Medical Genetics, Oslo University Hospital
Classification: Likely pathogenic for Arthrogryposis multiplex congenita 6. Last evaluated: 2025-06-01. Review status: no assertion criteria provided. Collection method: clinical testing. Allele origin: germline. Affected: yes. Observed: 2 variant alleles. Not counted in ClinVar's aggregate classification.
Comment: PVS1, PM2, PM3.CRISPRa induced NEB expression in skin fibroblasts of the mother, heterozygous for NM_001164508.2(NEB):c.24486+9C>T, followed by RNA-seq showed a 7 bp insertion (NM_001164508.2(NEB):r.24486_24487ins24486+1_24486+7), corresponding to the gain of a new splice donor site 7 bp downstream of the canonical donor site in exon 173. This resulted in a frameshift. NM_001164508.2:c.16653del and NM_001164508.2:c.24486+9C>T were seen together in compound heterozygosity in two fetuses with Arthrogryposis multiplex congenita

Institute of Human Genetics, University of Wuerzburg
Classification: Likely pathogenic for Nemaline myopathy 2. Review status: no assertion criteria provided. Collection method: clinical testing. Allele origin: unknown. Affected: yes. Observed: 1 variant allele. Not counted in ClinVar's aggregate classification.